The following is an entry in ClinVar:

ClinVar aggregate classification (germline): Uncertain significance (1 of 4 stars; one submission).

Submission:

GeneDx
Classification: Uncertain significance. Last evaluated: 2019-07-20. Review status: criteria provided, single submitter. Criteria: GeneDx Variant Classification Process June 2021. Collection method: clinical testing. Allele origin: germline. Affected: yes.
Comment: Not observed in large population cohorts (Lek et al., 2016); In silico analysis, which includes protein predictors and evolutionary conservation, supports a deleterious effect; Has not been previously published as pathogenic or benign to our knowledge

NM_003482.4(KMT2D):c.10787G>C (p.Arg3596Pro)

Gene: KMT2D (lysine methyltransferase 2D; minus strand). Cytogenetic location: 12q13.12.
Variant type: single nucleotide variant.
Coding change: c.10787G>C on transcript NM_003482.4 (MANE Select); coding-DNA position 10787, G replaced by C.
Protein change: p.Arg3596Pro; replaces arginine 3596 with proline.
Molecular consequence: missense variant.
Genome position (GRCh38, 1-based): chr12:49,033,918, C>G on the plus strand (G>C on the coding strand, the complement: KMT2D is on the minus strand). VCF-style: chr12-49033918-C-G. GRCh37 (hg19) VCF-style: chr12-49427701-C-G.
Other names: short protein forms R3596P.
Identifiers: ClinVar variation 1194065 (VCV001194065.2), dbSNP rs532898944, ClinGen allele CA384726183.